The following is an entry in ClinVar:

ClinVar aggregate classification (germline): Uncertain significance (1 of 4 stars; one submission).

Submission:

CeGaT Center for Human Genetics Tuebingen
Classification: Uncertain significance. Last evaluated: 2026-04-01. Review status: criteria provided, single submitter. Criteria: CeGaT Center For Human Genetics Tuebingen Variant Classification Criteria Version 2. Collection method: clinical testing. Allele origin: germline. Affected: yes. Observed: 2 variant alleles.
Comment: OFD1: PM2, PVS1:Moderate

NC_000023.11:g.13768716AG[1]

Gene: OFD1 (OFD1 centriole and centriolar satellite protein; plus strand). Cytogenetic location: Xp22.2.
Variant type: Microsatellite.
Genome position: GRCh38 VCF-style: chrX-13768715-CAG-C. GRCh37 (hg19) VCF-style: chrX-13786834-CAG-C.
Identifiers: ClinVar variation 4874619 (VCV004874619.2).